The following is an entry in ClinVar:

NM_004415.4(DSP):c.4610G>A (p.Arg1537His)

Gene: DSP (desmoplakin; plus strand). Cytogenetic location: 6p24.3.
Variant type: single nucleotide variant.
Coding change: c.4610G>A on transcript NM_004415.4 (MANE Select); coding-DNA position 4610, G replaced by A.
Protein change: p.Arg1537His; replaces arginine 1537 with histidine.
Molecular consequence: missense variant. On other transcripts: intron variant (2).
Genome position (GRCh38, 1-based): chr6:7,580,800, G>A. VCF-style: chr6-7580800-G-A. GRCh37 (hg19) VCF-style: chr6-7581033-G-A.
Other names: c.4610G>A (LRG_423t1); c.4050+560G>A (NM_001319034.2); c.3582+1028G>A (NM_001008844.3); short protein forms R1537H.
Identifiers: ClinVar variation 628957 (VCV000628957.17), dbSNP rs762135558, ClinGen allele CA042110.

ClinVar aggregate classification (germline): Conflicting classifications of pathogenicity. Review status: criteria provided, conflicting classifications (1 of 4 stars). 5 submissions from 5 submitters: Uncertain significance (3); Likely benign (2). Last evaluated 2025-10-17.

Conditions:
Cardiovascular phenotype. Identifiers: MedGen CN230736.
Arrhythmogenic cardiomyopathy with wooly hair and keratoderma. Also called: PALMOPLANTAR KERATODERMA WITH LEFT VENTRICULAR CARDIOMYOPATHY AND WOOLLY HAIR; Carvajal syndrome; Dilated cardiomyopathy with woolly hair and keratoderma; Arrhythmogenic cardiomyopathy with woolly hair and keratoderma. Identifiers: Orphanet 65282, MedGen C1854063, MONDO:0011581, OMIM 605676.
Cardiomyopathy (CMYO). Also called: Cardiomyopathies. Identifiers: Orphanet 167848, MedGen C0878544, MONDO:0004994, HP:0001638. Inheritance: Various modes of inheritance.
Arrhythmogenic right ventricular dysplasia 8 (ARVD8). Also called: ARRHYTHMOGENIC RIGHT VENTRICULAR DYSPLASIA, FAMILIAL, 8; ARRHYTHMOGENIC RIGHT VENTRICULAR CARDIOMYOPATHY 8; Arrhythmogenic Right Ventricular Dysplasia/Cardiomyopathy 8. Identifiers: MedGen C1843896, MONDO:0011831, OMIM 607450.

Allele frequency attached by ClinVar (database versions not stated): TOPMed below 0.00001; gnomAD exomes 0.00002; ExAC 0.00003.

Submissions (5):

Labcorp Genetics (formerly Invitae), Labcorp
Classification: Likely benign for Arrhythmogenic cardiomyopathy with wooly hair and keratoderma; Arrhythmogenic right ventricular dysplasia 8. Last evaluated: 2025-10-17. Review status: criteria provided, single submitter. Criteria: Invitae Variant Classification Sherloc (09022015). Collection method: clinical testing. Allele origin: germline.

Color Diagnostics, LLC DBA Color Health
Classification: Likely benign for Cardiomyopathy. Last evaluated: 2025-09-12. Review status: criteria provided, single submitter. Criteria: ACMG Guidelines, 2015. Collection method: clinical testing. Allele origin: germline.

All of Us Research Program, National Institutes of Health
Classification: Uncertain significance for Arrhythmogenic cardiomyopathy with wooly hair and keratoderma. Last evaluated: 2024-09-23. Review status: criteria provided, single submitter. Criteria: ACMG Guidelines, 2015. Collection method: clinical testing. Allele origin: germline. Inheritance: Autosomal dominant inheritance. Observed: 6 variant alleles, 6 heterozygotes.
Comment: This missense variant replaces arginine with histidine at codon 1537 of the DSP protein. Computational prediction suggests that this variant may not impact protein structure and function (internally defined REVEL score threshold <= 0.5, PMID: 27666373). To our knowledge, functional studies have not been reported for this variant. This variant has not been reported in individuals affected with cardiovascular disorders in the literature. This variant has been identified in 5/250282 chromosomes in the general population by the Genome Aggregation Database (gnomAD). The available evidence is insufficient to determine the role of this variant in disease conclusively. Therefore, this variant is classified as a Variant of Uncertain Significance.

This study involves interpretation of variants in research participants for the purpose of population health screening. Participant phenotype was not available at the time of variant classification. Additional details can be found in publication PMID: 35346344, PMCID: PMC8962531

Ambry Genetics
Classification: Uncertain significance for Cardiovascular phenotype. Last evaluated: 2023-04-17. Review status: criteria provided, single submitter. Criteria: Ambry Variant Classification Scheme 2023. Collection method: clinical testing. Allele origin: germline.
Comment: The p.R1537H variant (also known as c.4610G>A), located in coding exon 23 of the DSP gene, results from a G to A substitution at nucleotide position 4610. The arginine at codon 1537 is replaced by histidine, an amino acid with highly similar properties. This alteration has been reported in a subject with asymmetric hypertrophy, and apical aneurysm (Inagaki N et al. J Hum Genet, 2018 Dec;63:1273-1276). This amino acid position is highly conserved in available vertebrate species. In addition, the in silico prediction for this alteration is inconclusive. Since supporting evidence is limited at this time, the clinical significance of this alteration remains unclear.

Women's Health and Genetics/Laboratory Corporation of America, LabCorp
Classification: Uncertain significance. Last evaluated: 2022-05-16. Review status: criteria provided, single submitter. Criteria: LabCorp Variant Classification Summary - May 2015. Collection method: clinical testing. Allele origin: germline.
Comment: Variant summary: DSP c.4610G>A (p.Arg1537His) results in a non-conservative amino acid change in the encoded protein sequence. Four of five in-silico tools predict a damaging effect of the variant on protein function. The variant allele was found at a frequency of 2e-05 in 250282 control chromosomes. The available data on variant occurrences in the general population are insufficient to allow any conclusion about variant significance. c.4610G>A has been reported in the literature in at-least one individual within a cohort of Hypertrophic Cardiomyopathy with mid-ventricular obstruction (HCM-MVO) subtype, who underwent a multigene panel testing for 67 known cardiomyopathy associated genes associated with secondary cardiomyopathy (example, Inagaki_2018). These report(s) do not provide unequivocal conclusions about association of the variant with Arrhythmogenic Right Ventricular Dysplasia/Cardiomyopathy. To our knowledge, no experimental evidence demonstrating an impact on protein function has been reported. One clinical diagnostic laboratory has submitted clinical-significance assessments for this variant to ClinVar after 2014 without evidence for independent evaluation and classified the variant as uncertain significance. Based on the evidence outlined above, the variant was classified as uncertain significance.

Literature cited by the submitters: PubMed 30206291 (cited by Ambry Genetics and Women's Health and Genetics/Laboratory Corporation of America, LabCorp).